The following is an entry in ClinVar:

ClinVar aggregate classification (germline): Pathogenic (1 of 4 stars; one submission).

Conditions:
Glycogen storage disease, type V (GSD5). Also called: MCARDLE DISEASE; MUSCLE GLYCOGEN PHOSPHORYLASE DEFICIENCY; MYOPHOSPHORYLASE DEFICIENCY; PYGM DEFICIENCY; McArdle type glycogen storage disease. Identifiers: Orphanet 368, MedGen C0017924, MONDO:0009293, OMIM 232600.

Submission:

Myriad Genetics, Inc.
Classification: Pathogenic for Glycogen storage disease, type V. Last evaluated: 2024-05-14. Review status: criteria provided, single submitter. Criteria: Myriad Autosomal Dominant, Autosomal Recessive and X-Linked Classification Criteria (2023). Collection method: clinical testing. Allele origin: unknown.
Comment: NM_005609.2(PYGM):c.1360_1361del2ins13(N454Ffs*89) is expected to be pathogenic in the context of glycogen storage disease, PYGM-related. This variant is predicted to lead to an abnormal or absent protein product due to the creation of a premature termination codon in PYGM, a gene where loss-of-function variants are known to be pathogenic. Please note: this variant was assessed in the context of healthy population screening.

NM_005609.4(PYGM):c.1360_1361delinsTTCTTGAGGATCT (p.Asn454fs)

Gene: PYGM (glycogen phosphorylase, muscle associated; minus strand). Cytogenetic location: 11q13.1.
Variant type: Indel.
Coding change: c.1360_1361delinsTTCTTGAGGATCT on transcript NM_005609.4 (MANE Select); coding-DNA positions 1360 to 1361, AA replaced by TTCTTGAGGATCT.
Protein change: p.Asn454fs; shifts the reading frame from asparagine 454.
Molecular consequence: frameshift variant.
Genome position (GRCh38, 1-based): chr11:64,753,561-64,753,562, TT replaced by AGATCCTCAAGAA on the plus strand (AA replaced by TTCTTGAGGATCT on the coding strand, the reverse complement: PYGM is on the minus strand). VCF-style: chr11-64753561-TT-AGATCCTCAAGAA. GRCh37 (hg19) VCF-style: chr11-64521033-TT-AGATCCTCAAGAA.
Other names: c.1096_1097delinsTTCTTGAGGATCT, p.Asn366fs (NM_001164716.1); short protein forms N366fs, N454fs.
Identifiers: ClinVar variation 5010713 (VCV005010713.1).